The following is an entry in ClinVar:

NM_000531.6(OTC):c.299-8T>A

Gene: OTC (ornithine transcarbamylase; plus strand). Cytogenetic location: Xp11.4.
Variant type: single nucleotide variant.
Coding change: c.299-8T>A on transcript NM_000531.6 (MANE Select); 8 bases into the intron before coding-DNA position 299, T replaced by A.
Molecular consequence: intron variant.
Genome position (GRCh38, 1-based): chrX:38,381,334, T>A. VCF-style: chrX-38381334-T-A. GRCh37 (hg19) VCF-style: chrX-38240587-T-A.
Other names: p.?.
Identifiers: ClinVar variation 93220 (VCV000093220.37), dbSNP rs73196229, ClinGen allele CA285344.
Genomic context (GRCh38, chrX:38,381,334, plus strand): 5'-CTTTGTAATTTTGTTTTCCACTTTAGTTGTTTTTTCAAAATGATTTTTTTCTTTTTTTTT[T>A]ATTGTAGGCTTTGCACTTCTGGGAGGACATCCTTGTTTTCTTACCACACAAGATATTCAT-3'

ClinVar aggregate classification (germline): Benign. Review status: criteria provided, multiple submitters, no conflicts (2 of 4 stars). 13 submissions from 13 submitters: Benign (10). 3 of the submissions do not count toward it. Last evaluated 2026-02-04.

Conditions:
Inborn genetic diseases. Identifiers: MedGen C0950123, MeSH D030342.
Ornithine carbamoyltransferase deficiency (OTCD). Also called: ORNITHINE TRANSCARBAMYLASE DEFICIENCY, HYPERAMMONEMIA DUE TO; ORNITHINE TRANSCARBAMYLASE DEFICIENCY; Ornithine Carbamoyltransferase Deficiency Disease; OTC DEFICIENCY. Identifiers: Orphanet 664, MedGen C0268542, MONDO:0010703, OMIM 311250.

Allele frequency attached by ClinVar (database versions not stated): 1000 Genomes Project 0.07735; 1000 Genomes Project 30x 0.07784; ExAC 0.09987; gnomAD 0.14689 and 0.15031; TOPMed 0.14783; gnomAD exomes 0.14979; ESP Exome Variant Server 0.15647.
gnomAD v4.1: 213,325 of 1,121,538 alleles (19%); highest among the groups gnomAD compares: Middle Eastern, 25%; 16,616 homozygotes.

Submissions (19):

Labcorp Genetics (formerly Invitae), Labcorp
Classification: Benign for Ornithine carbamoyltransferase deficiency. Last evaluated: 2026-02-04. Review status: criteria provided, single submitter. Criteria: Invitae Variant Classification Sherloc (09022015). Collection method: clinical testing. Allele origin: germline.

Mayo Clinic Laboratories, Mayo Clinic
Classification: Benign. Last evaluated: 2023-02-24. Review status: criteria provided, single submitter. Criteria: ACMG Guidelines, 2015. Collection method: clinical testing. Allele origin: germline. Observed: 148 variant alleles.
Comment: BA1, BP4, BP7

ARUP Laboratories, Molecular Genetics and Genomics, ARUP Laboratories
Classification: Benign for Ornithine carbamoyltransferase deficiency. Last evaluated: 2021-10-05. Review status: criteria provided, single submitter. Criteria: ARUP Molecular Germline Variant Investigation Process 2021. Collection method: clinical testing. Allele origin: germline.

Women's Health and Genetics/Laboratory Corporation of America, LabCorp
Classification: Benign. Last evaluated: 2019-03-14. Review status: criteria provided, single submitter. Criteria: LabCorp Variant Classification Summary - May 2015. Collection method: clinical testing. Allele origin: germline.
Comment: Variant summary: OTC c.299-8T>A alters a non-conserved nucleotide located close to a canonical splice site and therefore could affect mRNA splicing, leading to a significantly altered protein sequence. 5/5 computational tools predict no significant impact on normal splicing. However, these predictions have yet to be confirmed by functional studies. The variant allele was found at a frequency of 0.15 in 181703 control chromosomes in the gnomAD database, including 1881 homozygotes and 9206 hemizygotes. The observed variant frequency is approximately 33 fold of the estimated maximal expected allele frequency for a pathogenic variant in OTC causing Ornithine Transcarbamylase Deficiency phenotype (0.0046), strongly suggesting that the variant is benign. Three ClinVar submissions from clinical diagnostic laboratories (evaluation after 2014) cite the variant as benign. Based on the evidence outlined above, the variant was classified as benign.

Eurofins Ntd Llc (ga)
Classification: Benign. Last evaluated: 2018-05-30. Review status: criteria provided, single submitter. Criteria: EGL ClinVar v180209 classification definitions. Collection method: clinical testing. Allele origin: germline. Observed: 34 variant alleles, 19 heterozygotes, 1 homozygote, 14 hemizygotes.

Color Diagnostics, LLC DBA Color Health
Classification: Benign for Ornithine carbamoyltransferase deficiency. Last evaluated: 2018-03-05. Review status: criteria provided, single submitter. Criteria: ACMG Guidelines, 2015. Collection method: clinical testing. Allele origin: germline.

Illumina Laboratory Services, Illumina
Classification: Benign for Ornithine carbamoyltransferase deficiency. Last evaluated: 2018-01-13. Review status: criteria provided, single submitter. Criteria: ICSL Variant Classification Criteria 13 December 2019. Collection method: clinical testing. Allele origin: germline.
Comment: This variant was observed in the ICSL laboratory as part of a predisposition screen in an ostensibly healthy population. It had not been previously curated by ICSL or reported in the Human Gene Mutation Database (HGMD: prior to June 1st, 2018), and was therefore a candidate for classification through an automated scoring system. Utilizing variant allele frequency, disease prevalence and penetrance estimates, and inheritance mode, an automated score was calculated to assess if this variant is too frequent to cause the disease. Based on the score and internal cut-off values, a variant classified as benign is not then subjected to further curation. The score for this variant resulted in a classification of benign for this disease.

PreventionGenetics, part of Exact Sciences
Classification: Benign. Last evaluated: 2016-02-21. Review status: criteria provided, single submitter. Criteria: ACMG Guidelines, 2015. Collection method: clinical testing. Allele origin: germline.

Ambry Genetics
Classification: Benign for Inborn genetic diseases. Last evaluated: 2014-11-24. Review status: criteria provided, single submitter. Criteria: Ambry Variant Classification Scheme 2023. Collection method: clinical testing. Allele origin: germline.

Breakthrough Genomics
Classification: Benign. Review status: criteria provided, single submitter. Criteria: ACMG Guidelines, 2015. Collection method: not provided. Allele origin: germline. Inheritance: X-linked inheritance. Affected: yes.

Clinical Genetics DNA and cytogenetics Diagnostics Lab, Erasmus MC, Erasmus Medical Center
Classification: Benign. Review status: no assertion criteria provided. Collection method: clinical testing. Allele origin: germline. Affected: yes. Study: VKGL Data-share Consensus. Not counted in ClinVar's aggregate classification.

Clinical Genetics, Academic Medical Center
Classification: Benign. Review status: no assertion criteria provided. Collection method: clinical testing. Allele origin: germline. Affected: yes. Study: VKGL Data-share Consensus. Not counted in ClinVar's aggregate classification.

Dr. Peter K. Rogan Lab, Western University
No classification provided (evidence only). Condition: Cholangiocarcinoma. Review status: no classification provided. Collection method: in vitro. Allele origin: not applicable. Functional consequence: retained intron. Not counted in ClinVar's aggregate classification.

Dr. Peter K. Rogan Lab, Western University
No classification provided (evidence only). Condition: Cholangiocarcinoma. Review status: no classification provided. Collection method: in vitro. Allele origin: not applicable. Functional consequence: retained intron. Not counted in ClinVar's aggregate classification.

Dr. Peter K. Rogan Lab, Western University
No classification provided (evidence only). Condition: Uterine carcinosarcoma. Review status: no classification provided. Collection method: in vitro. Allele origin: not applicable. Functional consequence: retained intron. Not counted in ClinVar's aggregate classification.

Dr. Peter K. Rogan Lab, Western University
No classification provided (evidence only). Condition: Familial pancreatic carcinoma. Review status: no classification provided. Collection method: in vitro. Allele origin: not applicable. Functional consequence: retained intron. Not counted in ClinVar's aggregate classification.

Dr. Peter K. Rogan Lab, Western University
No classification provided (evidence only). Condition: Familial pancreatic carcinoma. Review status: no classification provided. Collection method: in vitro. Allele origin: not applicable. Functional consequence: retained intron. Not counted in ClinVar's aggregate classification.

Dr. Peter K. Rogan Lab, Western University
No classification provided (evidence only). Condition: Familial pancreatic carcinoma. Review status: no classification provided. Collection method: in vitro. Allele origin: not applicable. Functional consequence: retained intron. Not counted in ClinVar's aggregate classification.

Joint Genome Diagnostic Labs from Nijmegen and Maastricht, Radboudumc and MUMC+
Classification: Benign. Review status: no assertion criteria provided. Collection method: clinical testing. Allele origin: germline. Affected: yes. Study: VKGL Data-share Consensus. Not counted in ClinVar's aggregate classification.